The following is an entry in ClinVar:

ClinVar aggregate classification (germline): Uncertain significance (1 of 4 stars; one submission).

Allele frequency attached by ClinVar (database versions not stated): gnomAD exomes 0.00001; TOPMed 0.00001; ExAC 0.00002.
gnomAD v4.1: 11 of 1,578,808 alleles (0.0007%); highest among the groups gnomAD compares: Admixed American, 0.0067%; no homozygotes.

Submission:

Labcorp Genetics (formerly Invitae), Labcorp
Classification: Uncertain significance. Last evaluated: 2022-08-16. Review status: criteria provided, single submitter. Criteria: Invitae Variant Classification Sherloc (09022015). Collection method: clinical testing. Allele origin: germline.
Comment: This sequence change falls in intron 18 of the C5 gene. It does not directly change the encoded amino acid sequence of the C5 protein. This variant is present in population databases (rs757689015, gnomAD 0.01%). This variant has not been reported in the literature in individuals affected with C5-related conditions. Algorithms developed to predict the effect of sequence changes on RNA splicing suggest that this variant may create or strengthen a splice site. In summary, the available evidence is currently insufficient to determine the role of this variant in disease. Therefore, it has been classified as a Variant of Uncertain Significance.

NM_001735.3(C5):c.2349-16A>G

Gene: C5 (complement C5; minus strand). Cytogenetic location: 9q33.2.
Variant type: single nucleotide variant.
Coding change: c.2349-16A>G on transcript NM_001735.3 (MANE Select); 16 bases into the intron before coding-DNA position 2349, A replaced by G.
Molecular consequence: intron variant.
Genome position (GRCh38, 1-based): chr9:121,006,993, T>C on the plus strand (A>G on the coding strand, the complement: C5 is on the minus strand). VCF-style: chr9-121006993-T-C. GRCh37 (hg19) VCF-style: chr9-123769271-T-C.
Other names: c.2367-16A>G (NM_001317163.2); c.2349-16A>G (NM_001317164.2).
Identifiers: ClinVar variation 1962289 (VCV001962289.2), dbSNP rs757689015, ClinGen allele CA5217793.